The following is an entry in ClinVar:

ClinVar aggregate classification (germline): Conflicting classifications of pathogenicity. Review status: criteria provided, conflicting classifications (1 of 4 stars). 2 submissions from 2 submitters: Pathogenic (1); Uncertain significance (1). Last evaluated 2022-01-19.

Conditions:
Growth delay due to insulin-like growth factor I resistance. Also called: IGF-I RESISTANCE; Insulin-Like Growth Factor I Resistance; Somatomedin end-organ insensitivity to; Somatomedin-c resistance to; IGF-1 resistance. Identifiers: Orphanet 73273, MedGen C1849157, MONDO:0010038, OMIM 270450.

Submissions (2):

Indiana University School of Medicine, Medical & Molecular Genetics, Indiana University School of Medicine
Classification: Pathogenic for Growth delay due to insulin-like growth factor I resistance. Last evaluated: 2022-01-19. Review status: criteria provided, single submitter. Criteria: ACMG Guidelines, 2015. Collection method: clinical testing. Allele origin: maternal. Inheritance: Autosomal dominant inheritance. Affected: yes. Observed: 1 heterozygote.
Comment: In summary, according to the new information and further analyses obtained after the enrollment in the URDC program, the initial assessment was revisited and the variant was eventually reclassified according to ACMG guidelines and our internal variant classification protocol. Taken together, since the c.1464T>G (p.Cys488Trp) variant co-segregated perfectly with the disorder in the family (PP1), its absence from database of normal population gnomAD (PM2), its location in a highly conserved structurally invariant residue predicted to be pathogenic by multiple in silico tools (PP3) and the highly specific phenotype, corroborated by the biochemical findings (elevated IGF-1R) specifically associated with IGF1R-related disorders (PP4_moderate), the variant was re-classified as likely pathogenic.

GeneDx
Classification: Uncertain significance. Last evaluated: 2019-11-10. Review status: criteria provided, single submitter. Criteria: GeneDx Variant Classification Process June 2021. Collection method: clinical testing. Allele origin: germline. Affected: yes.
Comment: Not observed in large population cohorts (Lek et al., 2016); In silico analysis, which includes protein predictors and evolutionary conservation, supports a deleterious effect; Has not been previously published as pathogenic or benign to our knowledge

Literature cited by the submitters: PubMed 22309212 (cited by Indiana University School of Medicine, Medical & Molecular Genetics, Indiana University School of Medicine); PubMed 30848790 (cited by Indiana University School of Medicine, Medical & Molecular Genetics, Indiana University School of Medicine).

NM_000875.5(IGF1R):c.1464T>G (p.Cys488Trp)

Gene: IGF1R (insulin like growth factor 1 receptor; plus strand). Cytogenetic location: 15q26.3.
Variant type: single nucleotide variant.
Coding change: c.1464T>G on transcript NM_000875.5 (MANE Select); coding-DNA position 1464, T replaced by G.
Protein change: p.Cys488Trp; replaces cysteine 488 with tryptophan.
Molecular consequence: missense variant.
Genome position (GRCh38, 1-based): chr15:98,911,316, T>G. VCF-style: chr15-98911316-T-G. GRCh37 (hg19) VCF-style: chr15-99454545-T-G.
Other names: c.1464T>G, p.Cys488Trp (NM_001291858.2); short protein forms C488W.
Identifiers: ClinVar variation 1310141 (VCV001310141.5), dbSNP rs2151674130, ClinGen allele CA393677812.